The following is an entry in ClinVar:

NM_000059.4(BRCA2):c.5344C>G (p.Gln1782Glu)

Gene: BRCA2 (BRCA2 DNA repair associated; plus strand). Cytogenetic location: 13q13.1.
Variant type: single nucleotide variant.
Coding change: c.5344C>G on transcript NM_000059.4 (MANE Select); coding-DNA position 5344, C replaced by G.
Protein change: p.Gln1782Glu; replaces glutamine 1782 with glutamic acid.
Molecular consequence: missense variant.
Genome position (GRCh38, 1-based): chr13:32,339,699, C>G. VCF-style: chr13-32339699-C-G. GRCh37 (hg19) VCF-style: chr13-32913836-C-G.
Other names: short protein forms Q1782E.
Identifiers: ClinVar variation 142990 (VCV000142990.13), dbSNP rs80358757, ClinGen allele CA022069.

ClinVar aggregate classification (germline): Conflicting classifications of pathogenicity. Review status: criteria provided, conflicting classifications (1 of 4 stars). 3 submissions from 3 submitters: Uncertain significance (1); Likely benign (2). Last evaluated 2025-09-17.

Conditions:
Hereditary cancer-predisposing syndrome. Also called: Hereditary Cancer Syndrome; Neoplastic Syndromes, Hereditary; Hereditary neoplastic syndrome; Tumor predisposition. Identifiers: Orphanet 140162, MedGen C0027672, MeSH D009386, MONDO:0015356.
Hereditary breast ovarian cancer syndrome. Also called: BRCA1- and BRCA2-Associated Hereditary Breast and Ovarian Cancer; Hereditary breast and ovarian cancer syndrome; Hereditary breast and/or ovarian cancer syndrome; Breast and ovarian cancer; Hereditary breast and ovarian cancer; Hereditary breast and ovarian cancer syndrome (HBOC). Identifiers: Orphanet 145, MedGen C0677776, MeSH D061325, MONDO:0003582. Disease mechanism: loss of function.

gnomAD v4.1: 1 of 1,612,658 alleles (0.000062%); highest among the groups gnomAD compares: Non-Finnish European, 0.000085%; no homozygotes.

Submissions (3):

Ambry Genetics
Classification: Likely benign for Hereditary cancer-predisposing syndrome. Last evaluated: 2025-09-17. Review status: criteria provided, single submitter. Criteria: Ambry Variant Classification Scheme 2023. Collection method: clinical testing. Allele origin: germline.

Labcorp Genetics (formerly Invitae), Labcorp
Classification: Uncertain significance for Hereditary breast ovarian cancer syndrome. Last evaluated: 2025-09-10. Review status: criteria provided, single submitter. Criteria: Invitae Variant Classification Sherloc (09022015). Collection method: clinical testing. Allele origin: germline.
Comment: This sequence change replaces glutamine, which is neutral and polar, with glutamic acid, which is acidic and polar, at codon 1782 of the BRCA2 protein (p.Gln1782Glu). This variant is not present in population databases (gnomAD no frequency). This variant has not been reported in the literature in individuals affected with BRCA2-related conditions. ClinVar contains an entry for this variant (Variation ID: 142990). Invitae Evidence Modeling of protein sequence and biophysical properties (such as structural, functional, and spatial information, amino acid conservation, physicochemical variation, residue mobility, and thermodynamic stability) indicates that this missense variant is not expected to disrupt BRCA2 protein function with a negative predictive value of 95%. In summary, the available evidence is currently insufficient to determine the role of this variant in disease. Therefore, it has been classified as a Variant of Uncertain Significance.

University of Washington Department of Laboratory Medicine, University of Washington
Classification: Likely benign for Hereditary cancer-predisposing syndrome. Last evaluated: 2023-03-23. Review status: criteria provided, single submitter. Criteria: Dines et al. (Genet Med. 2020). Collection method: curation. Allele origin: germline.
Comment: Missense variant in a coldspot region where missense variants are very unlikely to be pathogenic (PMID:31911673).

BRCA2 exon 11 coldspot. Reclassification based on statistical prior probability.